The following is an entry in ClinVar:

NM_006565.4(CTCF):c.247G>A (p.Ala83Thr)

Gene: CTCF (CCCTC-binding factor; plus strand). Cytogenetic location: 16q22.1.
Variant type: single nucleotide variant.
Coding change: c.247G>A on transcript NM_006565.4 (MANE Select); coding-DNA position 247, G replaced by A.
Protein change: p.Ala83Thr; replaces alanine 83 with threonine.
Molecular consequence: missense variant. On other transcripts: intron variant (1).
Genome position (GRCh38, 1-based): chr16:67,611,079, G>A. VCF-style: chr16-67611079-G-A. GRCh37 (hg19) VCF-style: chr16-67644982-G-A.
Other names: c.247G>A, p.Ala83Thr (NM_001363916.2, NM_001438968.1, NM_001438969.1); c.-32-5666G>A (NM_001191022.2); short protein forms A83T.
Identifiers: ClinVar variation 5037125 (VCV005037125.1).

ClinVar aggregate classification (germline): Uncertain significance (1 of 4 stars; one submission).

Submission:

GeneDx
Classification: Uncertain significance. Last evaluated: 2026-04-13. Review status: criteria provided, single submitter. Criteria: GeneDx Variant Classification Process June 2021. Collection method: clinical testing. Allele origin: germline.
Comment: Not observed at significant frequency in large population cohorts (gnomAD); In silico analysis suggests that this missense variant does not alter protein structure/function; Has not been previously published as pathogenic or benign to our knowledge